The following is an entry in ClinVar:

ClinVar aggregate classification (germline): Uncertain significance. Review status: criteria provided, multiple submitters, no conflicts (2 of 4 stars). 2 submissions from 2 submitters: Uncertain significance (2). Last evaluated 2023-02-14.

Conditions:
RASopathy. Also called: Noonan spectrum disorder; rasopathies. Identifiers: Orphanet 536391, MedGen C5555857, MONDO:0021060.

gnomAD v4.1: 21 of 1,614,028 alleles (0.0013%); highest among the groups gnomAD compares: Non-Finnish European, 0.0018%; no homozygotes.

Submissions (2):

Labcorp Genetics (formerly Invitae), Labcorp
Classification: Uncertain significance for RASopathy. Last evaluated: 2023-02-14. Review status: criteria provided, single submitter. Criteria: Invitae Variant Classification Sherloc (09022015). Collection method: clinical testing. Allele origin: germline.
Comment: This variant is not present in population databases (gnomAD no frequency). This missense change has been observed in individual(s) with MAP2K2-related conditions (PMID: 29907801). ClinVar contains an entry for this variant (Variation ID: 573141). Advanced modeling performed at Invitae incorporating data from internal and/or published experimental studies (Invitae) indicates that this missense variant is not expected to disrupt MAP2K2 function. In summary, the available evidence is currently insufficient to determine the role of this variant in disease. Therefore, it has been classified as a Variant of Uncertain Significance. This sequence change replaces serine, which is neutral and polar, with leucine, which is neutral and non-polar, at codon 127 of the MAP2K2 protein (p.Ser127Leu).

GeneDx
Classification: Uncertain significance. Last evaluated: 2020-11-26. Review status: criteria provided, single submitter. Criteria: GeneDx Variant Classification Process June 2021. Collection method: clinical testing. Allele origin: germline. Affected: yes.
Comment: Not observed in large population cohorts (Lek et al., 2016); Missense variants in this gene are often considered pathogenic (Stenson et al., 2014); In silico analysis supports that this missense variant has a deleterious effect on protein structure/function; This variant is associated with the following publications: (PMID: 30050098, 29058119, 29907801)

Literature cited by the submitters: PubMed 29907801 (cited by Labcorp Genetics (formerly Invitae), Labcorp).

NM_030662.4(MAP2K2):c.380C>T (p.Ser127Leu)

Gene: MAP2K2 (mitogen-activated protein kinase kinase 2; minus strand). Cytogenetic location: 19p13.3.
Variant type: single nucleotide variant.
Coding change: c.380C>T on transcript NM_030662.4 (MANE Select); coding-DNA position 380, C replaced by T.
Protein change: p.Ser127Leu; replaces serine 127 with leucine.
Molecular consequence: missense variant.
Genome position (GRCh38, 1-based): chr19:4,110,579, G>A on the plus strand (C>T on the coding strand, the complement: MAP2K2 is on the minus strand). VCF-style: chr19-4110579-G-A. GRCh37 (hg19) VCF-style: chr19-4110577-G-A.
Other names: short protein forms S127L.
Identifiers: ClinVar variation 573141 (VCV000573141.11), dbSNP rs1568260052, ClinGen allele CA403391488.